The following is an entry in ClinVar:

ClinVar aggregate classification (germline): Benign. Review status: criteria provided, multiple submitters, no conflicts (2 of 4 stars). 3 submissions from 3 submitters: Benign (2). 1 of the submissions does not count toward it. Last evaluated 2026-01-20.

Conditions:
PLXNA1-related disorder. Also called: PLXNA1-related condition.

Allele frequency attached by ClinVar (database versions not stated): gnomAD exomes 0.00612 and 0.00236; gnomAD 0.02508 and 0.02334; 1000 Genomes Project 30x 0.02639; ExAC 0.00736; 1000 Genomes Project 0.02436; TOPMed 0.02631; ESP Exome Variant Server 0.02599.
gnomAD v4.1: 7,172 of 1,613,348 alleles (0.44%); highest among the groups gnomAD compares: African/African-American, 7.9%; 275 homozygotes.

Submissions (3):

Labcorp Genetics (formerly Invitae), Labcorp
Classification: Benign. Last evaluated: 2026-01-20. Review status: criteria provided, single submitter. Criteria: Invitae Variant Classification Sherloc (09022015). Collection method: clinical testing. Allele origin: germline.

Breakthrough Genomics
Classification: Benign. Review status: criteria provided, single submitter. Criteria: ACMG Guidelines, 2015. Collection method: not provided. Allele origin: germline. Inheritance: Autosomal recessive inheritance. Affected: yes.

PreventionGenetics, part of Exact Sciences
Classification: Benign for PLXNA1-related condition. Last evaluated: 2020-01-02. Review status: no assertion criteria provided. Collection method: clinical testing. Allele origin: germline. Not counted in ClinVar's aggregate classification.
Comment: This variant is classified as benign based on ACMG/AMP sequence variant interpretation guidelines (Richards et al. 2015 PMID: 25741868, with internal and published modifications).

NM_032242.4(PLXNA1):c.939G>A (p.Gln313=)

Gene: PLXNA1 (plexin A1; plus strand). Cytogenetic location: 3q21.3.
Variant type: single nucleotide variant.
Coding change: c.939G>A on transcript NM_032242.4 (MANE Select); coding-DNA position 939, G replaced by A.
Protein change: p.Gln313=; no amino-acid change (glutamine 313 retained).
Molecular consequence: synonymous variant.
Genome position (GRCh38, 1-based): chr3:126,989,532, G>A. VCF-style: chr3-126989532-G-A. GRCh37 (hg19) VCF-style: chr3-126708375-G-A.
Identifiers: ClinVar variation 767928 (VCV000767928.13), dbSNP rs6809502, ClinGen allele CA2593083.